The following is an entry in ClinVar:

NM_015910.7(WDPCP):c.1703A>T (p.Asp568Val)

Gene: WDPCP (WD repeat containing planar cell polarity effector; minus strand). Cytogenetic location: 2p15.
Variant type: single nucleotide variant.
Coding change: c.1703A>T on transcript NM_015910.7 (MANE Select); coding-DNA position 1703, A replaced by T.
Protein change: p.Asp568Val; replaces aspartic acid 568 with valine.
Molecular consequence: missense variant. On other transcripts: non-coding transcript variant (3).
Genome position (GRCh38, 1-based): chr2:63,378,431, T>A on the plus strand (A>T on the coding strand, the complement: WDPCP is on the minus strand). VCF-style: chr2-63378431-T-A. GRCh37 (hg19) VCF-style: chr2-63605566-T-A.
Other names: c.1226A>T, p.Asp409Val (NM_001042692.3); c.1631A>T, p.Asp544Val (NM_001354044.2); c.1703A>T, p.Asp568Val (NM_001354045.2); short protein forms D409V, D544V, D568V.
Identifiers: ClinVar variation 1715550 (VCV001715550.5), dbSNP rs2466024251, ClinGen allele CA347062911.

ClinVar aggregate classification (germline): Uncertain significance (1 of 4 stars; one submission).

Conditions:
Bardet-Biedl syndrome (BBS). Identifiers: Orphanet 110, MedGen C0752166, MONDO:0015229.

Submission:

Labcorp Genetics (formerly Invitae), Labcorp
Classification: Uncertain significance for Bardet-Biedl syndrome. Last evaluated: 2022-07-15. Review status: criteria provided, single submitter. Criteria: Invitae Variant Classification Sherloc (09022015). Collection method: clinical testing. Allele origin: germline.
Comment: This sequence change replaces aspartic acid, which is acidic and polar, with valine, which is neutral and non-polar, at codon 568 of the WDPCP protein (p.Asp568Val). This variant is not present in population databases (gnomAD no frequency). This variant has not been reported in the literature in individuals affected with WDPCP-related conditions. Algorithms developed to predict the effect of missense changes on protein structure and function (SIFT, PolyPhen-2, Align-GVGD) all suggest that this variant is likely to be disruptive. In summary, the available evidence is currently insufficient to determine the role of this variant in disease. Therefore, it has been classified as a Variant of Uncertain Significance.